The following is an entry in ClinVar:

ClinVar aggregate classification (germline): Pathogenic (1 of 4 stars; one submission).

Conditions:
X-linked lymphoproliferative disease due to XIAP deficiency. Also called: XIAP DEFICIENCY; XIAP-Related Lymphoproliferative Disease, X-Linked. Identifiers: Orphanet 2442, Orphanet 538934, MedGen C1845076, MONDO:0010385, OMIM 300635.

Submission:

Labcorp Genetics (formerly Invitae), Labcorp
Classification: Pathogenic for X-linked lymphoproliferative disease due to XIAP deficiency. Last evaluated: 2025-11-19. Review status: criteria provided, single submitter. Criteria: Invitae Variant Classification Sherloc (09022015). Collection method: clinical testing. Allele origin: germline.
Comment: This sequence change creates a premature translational stop signal (p.Glu211*) in the XIAP gene. It is expected to result in an absent or disrupted protein product. Loss-of-function variants in XIAP are known to be pathogenic (PMID: 17080092, 21119115, 25666262). This variant is not present in population databases (gnomAD no frequency). This variant has not been reported in the literature in individuals affected with XIAP-related conditions. For these reasons, this variant has been classified as Pathogenic.

Literature cited by the submitters: PubMed 17080092; PubMed 21119115; PubMed 25666262.

NM_001167.4(XIAP):c.631G>T (p.Glu211Ter)

Gene: XIAP (X-linked inhibitor of apoptosis; plus strand). Cytogenetic location: Xq25.
Variant type: single nucleotide variant.
Coding change: c.631G>T on transcript NM_001167.4 (MANE Select); coding-DNA position 631, G replaced by T.
Protein change: p.Glu211Ter; replaces glutamic acid 211 with a stop codon.
Molecular consequence: nonsense.
Genome position (GRCh38, 1-based): chrX:123,886,293, G>T. VCF-style: chrX-123886293-G-T. GRCh37 (hg19) VCF-style: chrX-123020143-G-T.
Other names: c.631G>T, p.Glu211Ter (NM_001204401.2, NM_001378590.1, NM_001378591.1 and 1 more transcripts); short protein forms E211*.
Identifiers: ClinVar variation 4729141 (VCV004729141.1).